The following is an entry in ClinVar:

NM_145868.2(ANXA11):c.950-1G>C

Gene: ANXA11 (annexin A11; minus strand). Cytogenetic location: 10q22.3.
Variant type: single nucleotide variant.
Coding change: c.950-1G>C on transcript NM_145868.2 (MANE Select); the canonical splice acceptor site of the intron before coding-DNA position 950, G replaced by C.
Molecular consequence: splice acceptor variant.
Genome position (GRCh38, 1-based): chr10:80,163,614, C>G on the plus strand (G>C on the coding strand, the complement: ANXA11 is on the minus strand). VCF-style: chr10-80163614-C-G. GRCh37 (hg19) VCF-style: chr10-81923370-C-G.
Other names: c.950-1G>C (NM_001278407.2, NM_001157.3, NM_145869.2 and 1 more transcripts); c.851-1G>C (NM_001278409.2).
Identifiers: ClinVar variation 3344207 (VCV003344207.3).

ClinVar aggregate classification (germline): Uncertain significance. Review status: criteria provided, single submitter (1 of 4 stars). 2 submissions from 2 submitters: Uncertain significance (1). 1 of the submissions does not count toward it. Last evaluated 2024-09-29.

Conditions:
ANXA11-related disorder. Also called: ANXA11-related condition.

gnomAD v4.1: 1 of 1,552,370 alleles (0.000064%); highest among the groups gnomAD compares: African/African-American, 0.0014%; no homozygotes.

Submissions (2):

Labcorp Genetics (formerly Invitae), Labcorp
Classification: Uncertain significance. Last evaluated: 2024-09-29. Review status: criteria provided, single submitter. Criteria: Invitae Variant Classification Sherloc (09022015). Collection method: clinical testing. Allele origin: germline.
Comment: This sequence change affects an acceptor splice site in intron 8 of the ANXA11 gene. It is expected to disrupt RNA splicing. Variants that disrupt the donor or acceptor splice site typically lead to a loss of protein function (PMID: 16199547), however the current clinical and genetic evidence is not sufficient to establish whether loss-of-function variants in ANXA11 cause disease. This variant is not present in population databases (gnomAD no frequency). This variant has not been reported in the literature in individuals affected with ANXA11-related conditions. Algorithms developed to predict the effect of sequence changes on RNA splicing suggest that this variant may disrupt the consensus splice site. In summary, the available evidence is currently insufficient to determine the role of this variant in disease. Therefore, it has been classified as a Variant of Uncertain Significance.

PreventionGenetics, part of Exact Sciences
Classification: Uncertain significance for ANXA11-related condition. Last evaluated: 2024-05-23. Review status: no assertion criteria provided. Collection method: clinical testing. Allele origin: germline. Not counted in ClinVar's aggregate classification.
Comment: The ANXA11 c.950-1G>C variant is predicted to disrupt the AG splice acceptor site and interfere with normal splicing. This variant is predicted to impact splicing at the acceptor splice site possibly leading to protein-truncation; however, these are predictions based on computational modeling and are not functionally validated (SpliceAI, Jaganathan et al. 2019. PubMed ID: 30661751). To our knowledge, this variant has not been reported in the literature or in a large population database, indicating this variant is rare. Although we suspect that this variant may be pathogenic, at this time, the clinical significance of this variant is uncertain due to the absence of conclusive functional and genetic evidence.

Literature cited by the submitters: PubMed 16199547 (cited by Labcorp Genetics (formerly Invitae), Labcorp).